The following is an entry in ClinVar:

ClinVar aggregate classification (germline): Benign. Review status: criteria provided, multiple submitters, no conflicts (2 of 4 stars). 2 submissions from 2 submitters: Benign (2). Last evaluated 2018-01-13.

Conditions:
Hypothyroidism, congenital, nongoitrous, 2 (CHNG2). Also called: Hypothyroidism, congenital, due to thyroid dysgenesis or hypoplasia. Identifiers: Orphanet 95712, MedGen C1869118, MONDO:0024264, OMIM 218700.

Allele frequency attached by ClinVar (database versions not stated): gnomAD exomes 0.26508; TOPMed 0.31484; gnomAD 0.32329 and 0.32930; 1000 Genomes Project 0.32488; 1000 Genomes Project 30x 0.32745.
gnomAD v4.1: 69,137 of 227,480 alleles (30%); highest among the groups gnomAD compares: African/African-American, 47%; 11,511 homozygotes.

Submissions (2):

Illumina Laboratory Services, Illumina
Classification: Benign for Hypothyroidism, congenital, nongoitrous, 2. Last evaluated: 2018-01-13. Review status: criteria provided, single submitter. Criteria: ICSL Variant Classification Criteria 13 December 2019. Collection method: clinical testing. Allele origin: germline.
Comment: This variant was observed in the ICSL laboratory as part of a predisposition screen in an ostensibly healthy population. It had not been previously curated by ICSL or reported in the Human Gene Mutation Database (HGMD: prior to June 1st, 2018), and was therefore a candidate for classification through an automated scoring system. Utilizing variant allele frequency, disease prevalence and penetrance estimates, and inheritance mode, an automated score was calculated to assess if this variant is too frequent to cause the disease. Based on the score and internal cut-off values, a variant classified as benign is not then subjected to further curation. The score for this variant resulted in a classification of benign for this disease.

Breakthrough Genomics
Classification: Benign. Review status: criteria provided, single submitter. Criteria: ACMG Guidelines, 2015. Collection method: not provided. Allele origin: germline. Inheritance: Autosomal dominant inheritance. Affected: yes.

NM_003466.4(PAX8):c.*1914C>G

Gene: PAX8 (paired box 8; minus strand). Cytogenetic location: 2q14.1.
Variant type: single nucleotide variant.
Coding change: c.*1914C>G on transcript NM_003466.4 (MANE Select); 1914 bases downstream of the stop codon, C replaced by G.
Molecular consequence: 3 prime UTR variant.
Genome position (GRCh38, 1-based): chr2:113,216,619, G>C on the plus strand (C>G on the coding strand, the complement: PAX8 is on the minus strand). VCF-style: chr2-113216619-G-C. GRCh37 (hg19) VCF-style: chr2-113974196-G-C.
Other names: c.*1991C>G (NM_013952.4, NM_013953.4, NM_013992.4).
Identifiers: ClinVar variation 330864 (VCV000330864.6), dbSNP rs874898, ClinGen allele CA10611052.
Genomic context (GRCh38, chr2:113,216,619, plus strand): 5'-GCAGAGCCCGAGCTGTCACATTGCATTTCCCAGATTTCCTGGAGGTGGTTGGCCTAAAGT[G>C]CTAAGTCTCTACAGCCTCCCTCACCTTGTCCTGGCCACACTACACTCTACCTCTCCATTC-3'